The following is an entry in ClinVar:

NM_000384.3(APOB):c.9811G>A (p.Gly3271Ser)

Gene: APOB (apolipoprotein B; minus strand). Cytogenetic location: 2p24.1.
Variant type: single nucleotide variant.
Coding change: c.9811G>A on transcript NM_000384.3 (MANE Select); coding-DNA position 9811, G replaced by A.
Protein change: p.Gly3271Ser; replaces glycine 3271 with serine.
Molecular consequence: missense variant.
Genome position (GRCh38, 1-based): chr2:21,007,057, C>T on the plus strand (G>A on the coding strand, the complement: APOB is on the minus strand). VCF-style: chr2-21007057-C-T. GRCh37 (hg19) VCF-style: chr2-21229929-C-T.
Other names: short protein forms G3271S.
Identifiers: ClinVar variation 334109 (VCV000334109.37), dbSNP rs142422341, ClinGen allele CA066862.

ClinVar aggregate classification (germline): Conflicting classifications of pathogenicity. Review status: criteria provided, conflicting classifications (1 of 4 stars). 12 submissions from 11 submitters: Uncertain significance (8); Likely benign (3). 1 of the submissions does not count toward it. Last evaluated 2026-06-26.

Conditions:
Familial hypobetalipoproteinemia 1. Also called: Hypobetalipoproteinemia, normotriglyceridemic; Acanthocytosis with hypobetalipoproteinemia; APOB-Related Familial Hypobetalipoproteinemia. Identifiers: MedGen C4551990, MONDO:0014252, OMIM 615558.
Hypercholesterolemia, autosomal dominant, type B (FHCL2). Also called: Familial Hypercholesterolemia Type B; APOLIPOPROTEIN B-100, FAMILIAL DEFECTIVE; APOLIPOPROTEIN B-100, FAMILIAL LIGAND-DEFECTIVE; HYPERCHOLESTEROLEMIA, FAMILIAL, DUE TO LIGAND-DEFECTIVE APOLIPOPROTEIN B; APOB-Related Familial Hypercholesterolemia, Autosomal Dominant; Familial hypercholesterolemia 2. Identifiers: MedGen C1704417, MONDO:0007751, OMIM 144010.
Hypercholesterolemia, familial, 1. Also called: LDL RECEPTOR DISORDER; Hyperlipoproteinemia Type IIa; HYPER-LOW-DENSITY-LIPOPROTEINEMIA; HYPERCHOLESTEROLEMIC XANTHOMATOSIS, FAMILIAL; Fredrickson type IIa hyperlipoproteinemia; Hyperlipoproteinemia type 2. Identifiers: Orphanet 391665, MedGen C0745103, MONDO:0007750, OMIM 143890.
APOB-related disorder. Also called: APOB-related condition; APOB-related disorders.
Cardiovascular phenotype. Identifiers: MedGen CN230736.
Familial hypercholesterolemia. Also called: Familial hypercholesterolemias; Familial hypercholesterolaemia. Identifiers: MedGen C0020445, MONDO:0005439.

Allele frequency attached by ClinVar (database versions not stated): ExAC 0.00012; TOPMed 0.00014; ESP Exome Variant Server 0.00015; 1000 Genomes Project 30x 0.00016; gnomAD 0.00019; 1000 Genomes Project 0.00020.
gnomAD v4.1: 289 of 1,613,928 alleles (0.018%); highest among the groups gnomAD compares: Admixed American, 0.025%; no homozygotes.

Submissions (12):

Cambridge Genomics Laboratory, East Genomic Laboratory Hub, NHS Genomic Medicine Service
Classification: Uncertain significance for Familial hypercholesterolaemia. Last evaluated: 2026-06-26. Review status: criteria provided, single submitter. Criteria: ACGS Best Practice Guidelines for Variant Classification in Rare Disease 2020. Collection method: clinical testing. Allele origin: germline. Affected: yes.

Labcorp Genetics (formerly Invitae), Labcorp
Classification: Likely benign for Familial hypobetalipoproteinemia 1; Hypercholesterolemia, autosomal dominant, type B. Last evaluated: 2025-12-19. Review status: criteria provided, single submitter. Criteria: Invitae Variant Classification Sherloc (09022015). Collection method: clinical testing. Allele origin: germline.

Quest Diagnostics Nichols Institute San Juan Capistrano
Classification: Uncertain significance. Last evaluated: 2025-08-29. Review status: criteria provided, single submitter. Criteria: Quest Diagnostics criteria. Collection method: clinical testing. Allele origin: unknown.
Comment: The APOB c.9811G>A (p.Gly3271Ser) variant has been reported in the published literature in individuals with myocardial infarction and in reportedly unaffected individuals (PMID: 22923420 (2012)). The frequency of this variant in the general population (Genome Aggregation Database) is uninformative in the assessment of its pathogenicity. Analysis of this variant using bioinformatics tools for the prediction of the effect of amino acid changes on protein structure and function yielded predictions that this variant is benign. Based on the available information, we are unable to determine the clinical significance of this variant.

GeneDx
Classification: Uncertain significance. Last evaluated: 2025-02-25. Review status: criteria provided, single submitter. Criteria: GeneDx Variant Classification Process June 2021. Collection method: clinical testing. Allele origin: germline.
Comment: Identified in a cohort of early-onset myocardial infarction cases and also identified in controls (PMID: 22923420); In silico analysis indicates that this missense variant does not alter protein structure/function; Also known as p.(G3244S); This variant is associated with the following publications: (PMID: 22923420)

Blueprint Genetics
Classification: Likely benign. Last evaluated: 2024-10-10. Review status: criteria provided, single submitter. Criteria: ACMG Guidelines, 2015. Collection method: clinical testing. Allele origin: germline.

ARUP Laboratories, Molecular Genetics and Genomics, ARUP Laboratories
Classification: Uncertain significance. Last evaluated: 2022-04-07. Review status: criteria provided, single submitter. Criteria: ARUP Molecular Germline Variant Investigation Process 2021. Collection method: clinical testing. Allele origin: germline.
Comment: The APOB c.9811G>A; p.Gly3271Ser variant (rs142422341), to our knowledge, is not reported in the medical literature but is reported in ClinVar (Variation ID: 334109). This variant is found in the Non-Finnish European population with an allele frequency of 0.03% (35/128968 alleles) in the Genome Aggregation Database. The glycine at codon 3271 is weakly conserved, and computational analyses predict that this variant is neutral (REVEL: 0.042). Due to limited information, the clinical significance of the p.Gly3271Ser variant is uncertain at this time.

Ambry Genetics
Classification: Likely benign for Cardiovascular phenotype. Last evaluated: 2021-09-02. Review status: criteria provided, single submitter. Criteria: Ambry Variant Classification Scheme 2023. Collection method: clinical testing. Allele origin: germline.

Illumina Laboratory Services, Illumina
Classification: Uncertain significance for Hypercholesterolemia, autosomal dominant, type B. Last evaluated: 2018-01-13. Review status: criteria provided, single submitter. Criteria: ICSL Variant Classification Criteria 13 December 2019. Collection method: clinical testing. Allele origin: germline.

Illumina Laboratory Services, Illumina
Classification: Uncertain significance for Familial hypobetalipoproteinemia 1. Last evaluated: 2018-01-13. Review status: criteria provided, single submitter. Criteria: ICSL Variant Classification Criteria 13 December 2019. Collection method: clinical testing. Allele origin: germline.

Molecular Diagnostic Laboratory for Inherited Cardiovascular Disease, Montreal Heart Institute
Classification: Uncertain significance for Hypercholesterolemia, autosomal dominant, type B. Review status: criteria provided, single submitter. Criteria: ACMG Guidelines, 2015. Collection method: clinical testing. Allele origin: germline. Affected: yes.

Robarts Research Institute, Western University
Classification: Uncertain significance for Hypercholesterolemia, familial, 1. Review status: criteria provided, single submitter. Criteria: Wang et al. (Arterioscler Thromb Vasc Biol. 2016). Collection method: clinical testing. Allele origin: germline. Inheritance: Autosomal dominant inheritance. Affected: yes. Observed: 1 variant allele.

PreventionGenetics, part of Exact Sciences
Classification: Uncertain significance for APOB-related condition. Last evaluated: 2024-06-08. Review status: no assertion criteria provided. Collection method: clinical testing. Allele origin: germline. Not counted in ClinVar's aggregate classification.
Comment: The APOB c.9811G>A variant is predicted to result in the amino acid substitution p.Gly3271Ser. This variant has been reported in both control and affected individuals in a myocardial infarction case-control study (Table S5, Beaudoin et al. 2012. PubMed ID: 22923420). This variant was also documented in a cohort of individuals with familial hypercholesterolemia; however, detailed clinical information was not available (Sadykova et al. 2023. DOI 10.1016/j.atherosclerosis.2023.06.424). This variant is reported in 0.042% of alleles in individuals of Latino descent in gnomAD. At this time, the clinical significance of this variant is uncertain due to the absence of conclusive functional and genetic evidence.

Literature cited by the submitters: PubMed 22923420 (cited by Quest Diagnostics Nichols Institute San Juan Capistrano and Ambry Genetics).